The following is an entry in ClinVar:

NM_016529.6(ATP8A2):c.3498C>T (p.His1166=)

Gene: ATP8A2 (ATPase phospholipid transporting 8A2). Cytogenetic location: 13q12.13.
Variant type: single nucleotide variant.
Coding change: c.3498C>T on transcript NM_016529.6 (MANE Select); coding-DNA position 3498, C replaced by T.
Protein change: p.His1166=; no amino-acid change (histidine 1166 retained).
Molecular consequence: synonymous variant.
Genome position (GRCh38, 1-based): chr13:26,019,916, C>T. VCF-style: chr13-26019916-C-T. GRCh37 (hg19) VCF-style: chr13-26594054-C-T.
Other names: c.3303C>T, p.His1101= (NM_001313741.1); c.3423C>T, p.His1141= (NM_001411005.1).
Identifiers: ClinVar variation 3042501 (VCV003042501.4), dbSNP rs376281248, ClinGen allele CA6923760.

ClinVar aggregate classification (germline): Likely benign. Review status: criteria provided, single submitter (1 of 4 stars). 2 submissions from 2 submitters: Likely benign (1). 1 of the submissions does not count toward it. Last evaluated 2024-12-23.

Conditions:
ATP8A2-related disorder. Also called: ATP8A2-related condition.

Allele frequency attached by ClinVar (database versions not stated): ExAC 0.00001; TOPMed 0.00001; gnomAD exomes 0.00002; gnomAD 0.00003; ESP Exome Variant Server 0.00008.
gnomAD v4.1: 35 of 1,613,962 alleles (0.0022%); highest among the groups gnomAD compares: Middle Eastern, 0.066%; no homozygotes.

Submissions (2):

Labcorp Genetics (formerly Invitae), Labcorp
Classification: Likely benign. Last evaluated: 2024-12-23. Review status: criteria provided, single submitter. Criteria: Invitae Variant Classification Sherloc (09022015). Collection method: clinical testing. Allele origin: germline.

PreventionGenetics, part of Exact Sciences
Classification: Likely benign for ATP8A2-related condition. Last evaluated: 2019-06-24. Review status: no assertion criteria provided. Collection method: clinical testing. Allele origin: germline. Not counted in ClinVar's aggregate classification.
Comment: This variant is classified as likely benign based on ACMG/AMP sequence variant interpretation guidelines (Richards et al. 2015 PMID: 25741868, with internal and published modifications).